The following is an entry in ClinVar:

ClinVar aggregate classification (germline): Likely benign. Review status: criteria provided, multiple submitters, no conflicts (2 of 4 stars). 4 submissions from 4 submitters: Likely benign (4). Last evaluated 2025-11-01.

Conditions:
Cardiovascular phenotype. Identifiers: MedGen CN230736.
Cardiomyopathy (CMYO). Also called: Cardiomyopathies. Identifiers: Orphanet 167848, MedGen C0878544, MONDO:0004994, HP:0001638. Inheritance: Various modes of inheritance.
Hypertrophic cardiomyopathy. Also called: HYPERTROPHIC MYOCARDIOPATHY. Identifiers: Orphanet 217569, MedGen C0007194, MeSH D002312, MONDO:0005045, HP:0001639.

Allele frequency attached by ClinVar (database versions not stated): ExAC 0.00001; gnomAD exomes 0.00001 and 0.00002; gnomAD 0.00002; TOPMed 0.00006.
gnomAD v4.1: 19 of 1,613,956 alleles (0.0012%); highest among the groups gnomAD compares: Admixed American, 0.0067%; no homozygotes.

Submissions (4):

Labcorp Genetics (formerly Invitae), Labcorp
Classification: Likely benign for Hypertrophic cardiomyopathy. Last evaluated: 2025-11-01. Review status: criteria provided, single submitter. Criteria: Invitae Variant Classification Sherloc (09022015). Collection method: clinical testing. Allele origin: germline.

Ambry Genetics
Classification: Likely benign for Cardiovascular phenotype. Last evaluated: 2025-09-01. Review status: criteria provided, single submitter. Criteria: Ambry Variant Classification Scheme 2023. Collection method: clinical testing. Allele origin: germline.

All of Us Research Program, National Institutes of Health
Classification: Likely benign for Hypertrophic cardiomyopathy. Last evaluated: 2023-09-04. Review status: criteria provided, single submitter. Criteria: ACMG Guidelines, 2015. Collection method: clinical testing. Allele origin: germline. Inheritance: Autosomal dominant inheritance. Observed: 2 variant alleles, 2 heterozygotes.
Comment: This study involves interpretation of variants in research participants for the purpose of population health screening. Participant phenotype was not available at the time of variant classification. Additional details can be found in publication PMID: 35346344, PMCID: PMC8962531

Color Diagnostics, LLC DBA Color Health
Classification: Likely benign for Cardiomyopathy. Last evaluated: 2018-07-15. Review status: criteria provided, single submitter. Criteria: ACMG Guidelines, 2015. Collection method: clinical testing. Allele origin: germline.

NM_000258.3(MYL3):c.105C>T (p.Val35=)

Gene: MYL3 (myosin light chain 3; minus strand). Cytogenetic location: 3p21.31.
Variant type: single nucleotide variant.
Coding change: c.105C>T on transcript NM_000258.3 (MANE Select); coding-DNA position 105, C replaced by T.
Protein change: p.Val35=; no amino-acid change (valine 35 retained).
Molecular consequence: synonymous variant.
Genome position (GRCh38, 1-based): chr3:46,863,286, G>A on the plus strand (C>T on the coding strand, the complement: MYL3 is on the minus strand). VCF-style: chr3-46863286-G-A. GRCh37 (hg19) VCF-style: chr3-46904776-G-A.
Identifiers: ClinVar variation 628880 (VCV000628880.13), dbSNP rs771114109, ClinGen allele CA042165.